The following is an entry in ClinVar:

ClinVar aggregate classification (germline): Conflicting classifications of pathogenicity. Review status: criteria provided, conflicting classifications (1 of 4 stars). 3 submissions from 3 submitters: Uncertain significance (1); Likely benign (2). Last evaluated 2026-01-14.

Conditions:
Emery-Dreifuss muscular dystrophy 4, autosomal dominant (EDMD4). Also called: EMERY-DREIFUSS MUSCULAR DYSTROPHY 4 WITH VARIABLE FEATURES. Identifiers: Orphanet 261, MedGen C2751807, MONDO:0013071, OMIM 612998.
Autosomal recessive ataxia, Beauce type. Also called: SYNE1 Deficiency; ATAXIA, RECESSIVE, OF BEAUCE; Spinocerebellar ataxia, autosomal recessive 8; SYNE1-Related Autosomal Recessive Cerebellar Ataxia. Identifiers: Orphanet 88644, MedGen C1853116, MONDO:0012549, OMIM 610743.

Allele frequency attached by ClinVar (database versions not stated): gnomAD 0.00010 and 0.00015; gnomAD exomes 0.00010 and 0.00022; TOPMed 0.00010; ESP Exome Variant Server 0.00015; ExAC 0.00029; 1000 Genomes Project 0.00060; 1000 Genomes Project 30x 0.00062.
gnomAD v4.1: 173 of 1,614,040 alleles (0.011%); highest among the groups gnomAD compares: South Asian, 0.15%; 1 homozygote.

Submissions (3):

Labcorp Genetics (formerly Invitae), Labcorp
Classification: Likely benign for Emery-Dreifuss muscular dystrophy 4, autosomal dominant; Autosomal recessive ataxia, Beauce type. Last evaluated: 2026-01-14. Review status: criteria provided, single submitter. Criteria: Invitae Variant Classification Sherloc (09022015). Collection method: clinical testing. Allele origin: germline.

Blueprint Genetics
Classification: Likely benign. Last evaluated: 2021-04-14. Review status: criteria provided, single submitter. Criteria: ACMG Guidelines, 2015. Collection method: clinical testing. Allele origin: germline.

GeneDx
Classification: Uncertain significance. Last evaluated: 2019-07-25. Review status: criteria provided, single submitter. Criteria: GeneDx Variant Classification Process June 2021. Collection method: clinical testing. Allele origin: germline. Affected: yes.
Comment: In-silico analysis, which includes splice predictors and evolutionary conservation, is inconclusive as to whether the variant alters gene splicing. In the absence of RNA/functional studies, the actual effect of this sequence change is unknown.; Has not been previously published as pathogenic or benign to our knowledge

NM_182961.4(SYNE1):c.15894C>T (p.Thr5298=)

Gene: SYNE1 (spectrin repeat containing nuclear envelope protein 1; minus strand). Cytogenetic location: 6q25.2.
Variant type: single nucleotide variant.
Coding change: c.15894C>T on transcript NM_182961.4 (MANE Select); coding-DNA position 15894, C replaced by T.
Protein change: p.Thr5298=; no amino-acid change (threonine 5298 retained).
Molecular consequence: synonymous variant.
Genome position (GRCh38, 1-based): chr6:152,323,501, G>A on the plus strand (C>T on the coding strand, the complement: SYNE1 is on the minus strand). VCF-style: chr6-152323501-G-A. GRCh37 (hg19) VCF-style: chr6-152644636-G-A.
Other names: c.15681C>T, p.Thr5227= (NM_033071.5).
Identifiers: ClinVar variation 704909 (VCV000704909.13), dbSNP rs143416387, ClinGen allele CA4055668.
Genomic context (GRCh38, chr6:152,323,501, plus strand): 5'-CAAACAAACAAAAGAATGAAAGTAGGTGCTTAATTACTTCAGGCACCGATCTTGCATGGC[G>A]GTGATTTCCTGCATGAGCGGAGGCTCTTCCCCAGGGGTTGGGGCGGCTCCATCCTGGAGC-3'
Protein context (NP_892006.3, residues 5288-5308): GEEPPLMQEI[Thr5298=]AMQDRCLNMQ